The following is an entry in ClinVar:

NM_000540.3(RYR1):c.533A>G (p.Tyr178Cys)

Gene: RYR1 (ryanodine receptor 1; plus strand). Cytogenetic location: 19q13.2.
Variant type: single nucleotide variant.
Coding change: c.533A>G on transcript NM_000540.3 (MANE Select); coding-DNA position 533, A replaced by G.
Protein change: p.Tyr178Cys; replaces tyrosine 178 with cysteine.
Molecular consequence: missense variant.
Genome position (GRCh38, 1-based): chr19:38,444,257, A>G. VCF-style: chr19-38444257-A-G. GRCh37 (hg19) VCF-style: chr19-38934897-A-G.
Other names: NM_000540.3(RYR1):c.533A>G; p.(Tyr178Cys); NM_001042723.2:c.533A>G; c.533A>G, p.Tyr178Cys (NM_001042723.2); short protein forms Y178C.
Identifiers: ClinVar variation 1330371 (VCV001330371.3), dbSNP rs193922758, ClinGen allele CA405677115.

ClinVar aggregate classification (germline): Likely pathogenic (3 of 4 stars; one submission).

Conditions:
Malignant hyperthermia of anesthesia. Also called: Anesthesic-triggered malignant hyperthermia. Identifiers: Orphanet 423, MedGen C0024591, MONDO:0018493, HP:0034733.

Submission:

ClinGen Malignant Hyperthermia Susceptibility Variant Curation Expert Panel, ClinGen
Classification: Likely pathogenic for Malignant hyperthermia of anesthesia. Last evaluated: 2025-08-01. Review status: reviewed by expert panel. Criteria: ClinGen MHS ACMG Specifications V2. Collection method: curation. Allele origin: germline. Inheritance: Autosomal dominant inheritance.
Comment: This pathogenicity assessment is relevant only for malignant hyperthermia susceptibility (MHS) inherited in an autosomal dominant pattern. Variants in RYR1 can also cause other myopathies inherited in an autosomal dominant pattern or in an autosomal recessive pattern. Some of these disorders may predispose individuals to malignant hyperthermia. RYR1 variants may also contribute to a malignant hyperthermia reaction in combination with other genetic and non-genetic factors and the clinician needs to consider such factors in making management decisions. This sequence variant predicts a substitution of tyrosine with cysteine at codon 178 of the RYR1 protein, p.(Tyr178Cys). This variant was not present in a large population database (gnomAD) at the time this variant was interpreted. This variant has been reported in an individual with a personal or family history of an MH episode and a positive in vitro contracture test (IVCT) or caffeine halothane contracture test (CHCT) result (if the proband was unavailable for testing, a positive diagnostic test result in a mutation-positive relative was counted), PS4_Supporting (PMID:16163667). No functional studies were identified for this variant. This variant resides in a region of RYR1 considered to be a hotspot for pathogenic variants that contribute to MHS, PM1 (PMID: 21118704). This variant segregates with MHS in three individuals, PP1 (PMID:16163667). A REVEL score >0.85 (0.951) supports a pathogenic status for this variant, PP3_Moderate. Based on using Bayes to combine criteria this variant is assessed as Likely Pathogenic, (PMID: 29300386). Criteria implemented: PS2_Moderate, PS4_Supporting, PM1, PP1, PP3_Moderate.